The following is an entry in ClinVar:

ClinVar aggregate classification (germline): Pathogenic/Likely pathogenic. Review status: criteria provided, multiple submitters, no conflicts (2 of 4 stars). 2 submissions from 2 submitters: Pathogenic (1); Likely pathogenic (1). Last evaluated 2023-09-07.

Conditions:
Hereditary breast ovarian cancer syndrome. Also called: Breast and ovarian cancer; BRCA1- and BRCA2-Associated Hereditary Breast and Ovarian Cancer; Hereditary breast and ovarian cancer syndrome (HBOC); Hereditary breast and ovarian cancer; Hereditary breast and/or ovarian cancer syndrome; Hereditary breast and ovarian cancer syndrome. Identifiers: Orphanet 145, MedGen C0677776, MeSH D061325, MONDO:0003582. Disease mechanism: loss of function.
Familial cancer of breast. Also called: Hereditary breast cancer; hereditary breast carcinoma; BREAST CANCER, FAMILIAL. Identifiers: Orphanet 227535, MedGen C0346153, MONDO:0016419, OMIM 114480. Disease mechanism: loss of function.

Submissions (2):

Myriad Genetics, Inc.
Classification: Pathogenic for Familial cancer of breast. Last evaluated: 2023-09-07. Review status: criteria provided, single submitter. Criteria: Myriad Autosomal Dominant, Autosomal Recessive and X-Linked Classification Criteria (2023). Collection method: clinical testing. Allele origin: unknown.
Comment: This variant is considered pathogenic. This variant creates a termination codon and is predicted to result in premature protein truncation.

Women's Health and Genetics/Laboratory Corporation of America, LabCorp
Classification: Likely pathogenic for Hereditary breast ovarian cancer syndrome. Last evaluated: 2016-05-27. Review status: criteria provided, single submitter. Criteria: LabCorp Variant Classification Summary - May 2015. Collection method: clinical testing. Allele origin: germline.
Comment: Variant summary: The PALB2 c.829_832delGACC (p.Asp277Terfs) variant results in a premature termination codon, predicted to cause a truncated or absent PALB2 protein due to nonsense mediated decay, which are commonly known mechanisms for disease. Truncations downstream of this position have been classified as pathogenic by our laboratory (e.g. p.Met723fs). One in silico tool predicts a damaging outcome for this variant. This variant was absent in 121362 control chromosomes and has not, to our knowledge, been reported in affected individuals via publications and/or reputable databases/clinical diagnostic laboratories; nor evaluated for functional impact by in vivo/vitro studies. Taken together, this variant is classified as Likely Pathogenic.

NM_024675.4(PALB2):c.829_832del (p.His276_Asp277insTer)

Gene: PALB2 (partner and localizer of BRCA2; minus strand). Cytogenetic location: 16p12.2.
Variant type: Deletion.
Coding change: c.829_832del on transcript NM_024675.4 (MANE Select); coding-DNA positions 829 to 832, 4 bases deleted (GACC; older notation c.829_832delGACC).
Protein change: p.His276_Asp277insTer.
Molecular consequence: nonsense.
Genome position (GRCh38, 1-based): chr16:23,635,714-23,635,717, GGTC deleted on the plus strand (GACC on the coding strand, the reverse complement: PALB2 is on the minus strand); deleting any 4 consecutive bases within chr16:23,635,714-23,635,718 gives the same sequence; the c. name uses the placement nearest the transcript's 3' end. VCF-style (leftmost placement, unchanged base first): chr16-23635713-AGGTC-A. GRCh37 (hg19) VCF-style: chr16-23647034-AGGTC-A.
Other names: c.829_832delGACC (NM_024675.3).
Identifiers: ClinVar variation 496469 (VCV000496469.2), dbSNP rs1555461602, ClinGen allele CA658683917.